The following is an entry in ClinVar:

ClinVar aggregate classification (germline): Uncertain significance (1 of 4 stars; one submission).

Submission:

Ambry Genetics
Classification: Uncertain significance. Last evaluated: 2025-05-24. Review status: criteria provided, single submitter. Criteria: Ambry Variant Classification Scheme 2023. Collection method: clinical testing. Allele origin: germline.
Comment: The p.G787V variant (also known as c.2360G>T), located in coding exon 1 of the TET2 gene, results from a G to T substitution at nucleotide position 2360. The glycine at codon 787 is replaced by valine, an amino acid with dissimilar properties. This amino acid position is conserved. In addition, this alteration is predicted to be tolerated by in silico analysis. Based on the available evidence, the clinical significance of this variant remains unclear.

NM_001127208.3(TET2):c.2360G>T (p.Gly787Val)

Genes: TET2 (tet methylcytosine dioxygenase 2; plus strand), TET2-AS1 (TET2 antisense RNA 1; minus strand). Cytogenetic location: 4q24.
Variant type: single nucleotide variant.
Coding change: c.2360G>T on transcript NM_001127208.3 (MANE Select); coding-DNA position 2360, G replaced by T.
Protein change: p.Gly787Val; replaces glycine 787 with valine.
Molecular consequence: missense variant.
Genome position (GRCh38, 1-based): chr4:105,236,302, G>T. VCF-style: chr4-105236302-G-T. GRCh37 (hg19) VCF-style: chr4-106157459-G-T.
Other names: c.2360G>T, p.Gly787Val (NM_017628.4); short protein forms G787V.
Identifiers: ClinVar variation 3967662 (VCV003967662.1).